The following is an entry in ClinVar:

NM_032043.3(BRIP1):c.1748A>G (p.Lys583Arg)

Gene: BRIP1 (BRCA1 interacting DNA helicase 1; minus strand). Cytogenetic location: 17q23.2.
Variant type: single nucleotide variant.
Coding change: c.1748A>G on transcript NM_032043.3 (MANE Select); coding-DNA position 1748, A replaced by G.
Protein change: p.Lys583Arg; replaces lysine 583 with arginine.
Molecular consequence: missense variant.
Genome position (GRCh38, 1-based): chr17:61,780,886, T>C on the plus strand (A>G on the coding strand, the complement: BRIP1 is on the minus strand). VCF-style: chr17-61780886-T-C. GRCh37 (hg19) VCF-style: chr17-59858247-T-C.
Other names: short protein forms K583R.
Identifiers: ClinVar variation 230402 (VCV000230402.23), dbSNP rs876658547, ClinGen allele CA10580831.

ClinVar aggregate classification (germline): Uncertain significance. Review status: criteria provided, multiple submitters, no conflicts (2 of 4 stars). 5 submissions from 5 submitters: Uncertain significance (5). Last evaluated 2026-01-24.

Conditions:
Hereditary cancer-predisposing syndrome. Also called: Hereditary Cancer Syndrome; Neoplastic Syndromes, Hereditary; Tumor predisposition; Hereditary neoplastic syndrome. Identifiers: Orphanet 140162, MedGen C0027672, MeSH D009386, MONDO:0015356.
Fanconi anemia complementation group J. Also called: BRIP1-Related Fanconi Anemia. Identifiers: Orphanet 84, MedGen C1836860, MONDO:0012187, OMIM 609054.
Familial cancer of breast. Also called: Hereditary breast cancer; hereditary breast carcinoma; BREAST CANCER, FAMILIAL. Identifiers: Orphanet 227535, MedGen C0346153, MONDO:0016419, OMIM 114480. Disease mechanism: loss of function.

Allele frequency attached by ClinVar (database versions not stated): TOPMed below 0.00001; gnomAD 0.00001.
gnomAD v4.1: 1 of 1,614,084 alleles (0.000062%); highest among the groups gnomAD compares: Non-Finnish European, 0.000085%; no homozygotes.

Submissions (5):

Women's Health and Genetics/Laboratory Corporation of America, LabCorp
Classification: Uncertain significance. Last evaluated: 2026-01-24. Review status: criteria provided, single submitter. Criteria: LabCorp Variant Classification Summary - May 2015. Collection method: clinical testing. Allele origin: germline.

Labcorp Genetics (formerly Invitae), Labcorp
Classification: Uncertain significance for Familial cancer of breast; Fanconi anemia complementation group J. Last evaluated: 2025-10-01. Review status: criteria provided, single submitter. Criteria: Invitae Variant Classification Sherloc (09022015). Collection method: clinical testing. Allele origin: germline.
Comment: This sequence change replaces lysine, which is basic and polar, with arginine, which is basic and polar, at codon 583 of the BRIP1 protein (p.Lys583Arg). This variant is not present in population databases (gnomAD no frequency). This variant has not been reported in the literature in individuals affected with BRIP1-related conditions. ClinVar contains an entry for this variant (Variation ID: 230402). Invitae Evidence Modeling of protein sequence and biophysical properties (such as structural, functional, and spatial information, amino acid conservation, physicochemical variation, residue mobility, and thermodynamic stability) has been performed for this missense variant. However, the output from this modeling did not meet the statistical confidence thresholds required to predict the impact of this variant on BRIP1 protein function. In summary, the available evidence is currently insufficient to determine the role of this variant in disease. Therefore, it has been classified as a Variant of Uncertain Significance.

Ambry Genetics
Classification: Uncertain significance for Hereditary cancer-predisposing syndrome. Last evaluated: 2024-11-18. Review status: criteria provided, single submitter. Criteria: Ambry Variant Classification Scheme 2023. Collection method: clinical testing. Allele origin: germline.
Comment: The p.K583R variant (also known as c.1748A>G), located in coding exon 11 of the BRIP1 gene, results from an A to G substitution at nucleotide position 1748. The lysine at codon 583 is replaced by arginine, an amino acid with highly similar properties. This amino acid position is highly conserved in available vertebrate species. In addition, this alteration is predicted to be tolerated by in silico analysis. Since supporting evidence is limited at this time, the clinical significance of this alteration remains unclear.

Color Diagnostics, LLC DBA Color Health
Classification: Uncertain significance for Hereditary cancer-predisposing syndrome. Last evaluated: 2024-03-06. Review status: criteria provided, single submitter. Criteria: ACMG Guidelines, 2015. Collection method: clinical testing. Allele origin: germline.
Comment: This missense variant replaces lysine with arginine at codon 583 of the BRIP1 protein. Computational prediction suggests that this variant may not impact protein structure and function (internally defined REVEL score threshold <= 0.5, PMID: 27666373). To our knowledge, functional studies have not been reported for this variant. This variant has not been reported in individuals affected with hereditary cancer in the literature. This variant has not been identified in the general population by the Genome Aggregation Database (gnomAD). The available evidence is insufficient to determine the role of this variant in disease conclusively. Therefore, this variant is classified as a Variant of Uncertain Significance.

GeneDx
Classification: Uncertain significance. Last evaluated: 2019-08-19. Review status: criteria provided, single submitter. Criteria: GeneDx Variant Classification Process June 2021. Collection method: clinical testing. Allele origin: germline. Affected: yes.
Comment: Not observed in large population cohorts (Lek 2016); In silico analysis, which includes protein predictors and evolutionary conservation, supports that this variant does not alter protein structure/function; Has not been previously published as pathogenic or benign to our knowledge